The following is an entry in ClinVar:

ClinVar aggregate classification (germline): Uncertain significance (1 of 4 stars; one submission).

gnomAD v4.1: 1 of 1,614,070 alleles (0.000062%); highest among the groups gnomAD compares: Non-Finnish European, 0.000085%; no homozygotes.

Submission:

Dasa
Classification: Uncertain significance. Last evaluated: 2025-07-01. Review status: criteria provided, single submitter. Criteria: DASA Assertion Criteria. Collection method: clinical testing. Allele origin: germline.
Comment: NM_015166.4(MLC1):c.262G>A (p.Gly88Ser) is a missense variant that results in the substitution of glycine with serine. The affected residue or protein region has prior evidence supporting clinical relevance. This variant has been observed in affected individuals with MLC1-related disorders. Published studies describe this variant in association with related phenotype (PMID: 15798517). Also, this variant is rare in population databases. Computational prediction algorithms are consistent with a deleterious effect. The currently available literature and clinical evidence are not sufficient to establish a definitive association between this variant and the reported condition. Therefore, this variant is classified as a variant of uncertain significance.

Literature cited by the submitters: PubMed 15798517.

NM_015166.4(MLC1):c.262G>A (p.Gly88Ser)

Genes: MLC1 (modulator of VRAC current 1; minus strand), LOC125446261 (Sharpr-MPRA regulatory region 9327; plus strand). Cytogenetic location: 22q13.33.
Variant type: single nucleotide variant.
Coding change: c.262G>A on transcript NM_015166.4 (MANE Select); coding-DNA position 262, G replaced by A.
Protein change: p.Gly88Ser; replaces glycine 88 with serine.
Molecular consequence: missense variant. On other transcripts: non-coding transcript variant (3), intron variant (1).
Genome position (GRCh38, 1-based): chr22:50,083,089, C>T on the plus strand (G>A on the coding strand, the complement: MLC1 is on the minus strand). VCF-style: chr22-50083089-C-T. GRCh37 (hg19) VCF-style: chr22-50521518-C-T.
Other names: c.25G>A, p.Gly9Ser (NM_001376484.1); c.262G>A, p.Gly88Ser (NM_139202.3, NM_001376474.1, NM_001376475.1 and 9 more transcripts); c.177+1637G>A (NM_001376480.1); short protein forms G88S, G9S.
Identifiers: ClinVar variation 4886216 (VCV004886216.2).